The following is an entry in ClinVar:

NM_030665.4(RAI1):c.3142_3144delinsCT (p.Ala1048fs)

Gene: RAI1 (retinoic acid induced 1; plus strand). Cytogenetic location: 17p11.2.
Variant type: Indel.
Coding change: c.3142_3144delinsCT on transcript NM_030665.4 (MANE Select); coding-DNA positions 3142 to 3144, GCC replaced by CT.
Protein change: p.Ala1048fs; shifts the reading frame from alanine 1048.
Molecular consequence: frameshift variant.
Genome position (GRCh38, 1-based): chr17:17,796,090-17,796,092, GCC replaced by CT. VCF-style: chr17-17796090-GCC-CT. GRCh37 (hg19) VCF-style: chr17-17699404-GCC-CT.
Other names: short protein forms A1048fs.
Identifiers: ClinVar variation 453211 (VCV000453211.2), dbSNP rs1555565674, ClinGen allele CA658658541.

ClinVar aggregate classification (germline): Pathogenic (1 of 4 stars; one submission).

Submission:

GeneDx
Classification: Pathogenic. Last evaluated: 2017-11-02. Review status: criteria provided, single submitter. Criteria: GeneDx Variant Classification (06012015). Collection method: clinical testing. Allele origin: germline. Affected: yes.
Comment: The c.3142_3144delGCCinsCT variant in the RAI1 gene has not been reported previously as a pathogenic variant nor as a benign variant, to our knowledge. The c.3142_3144delGCCinsCT variant causes a frameshift starting with codon Alanine 1048, changes this amino acid to a Leucine residue, and creates a premature Stop codon at position 16 of the new reading frame, denoted p.Ala1048LeufsX16. This variant is predicted to cause loss of normal protein function either through protein truncation or nonsense-mediated mRNA decay. The c.3142_3144delGCCinsCT variant is not observed in large population cohorts (Lek et al., 2016). We interpret c.3142_3144delGCCinsCT as a pathogenic variant,